The following is an entry in ClinVar:

NM_032447.5(FBN3):c.1762A>G (p.Thr588Ala)

Gene: FBN3 (fibrillin 3; minus strand). Cytogenetic location: 19p13.2.
Variant type: single nucleotide variant.
Coding change: c.1762A>G on transcript NM_032447.5 (MANE Select); coding-DNA position 1762, A replaced by G.
Protein change: p.Thr588Ala; replaces threonine 588 with alanine.
Molecular consequence: missense variant.
Genome position (GRCh38, 1-based): chr19:8,131,782, T>C on the plus strand (A>G on the coding strand, the complement: FBN3 is on the minus strand). VCF-style: chr19-8131782-T-C. GRCh37 (hg19) VCF-style: chr19-8196666-T-C.
Other names: c.1762A>G, p.Thr588Ala (NM_001321431.2); short protein forms T588A.
Identifiers: ClinVar variation 2396385 (VCV002396385.5), dbSNP rs780739075, ClinGen allele CA9153162.

ClinVar aggregate classification (germline): Uncertain significance. Review status: criteria provided, multiple submitters, no conflicts (2 of 4 stars). 2 submissions from 2 submitters: Uncertain significance (2). Last evaluated 2023-11-13.

Allele frequency attached by ClinVar (database versions not stated): ExAC 0.00005; gnomAD 0.00002; gnomAD exomes 0.00002; TOPMed 0.00002.
gnomAD v4.1: 24 of 1,610,000 alleles (0.0015%); highest among the groups gnomAD compares: Admixed American, 0.038%; no homozygotes.

Submissions (2):

Labcorp Genetics (formerly Invitae), Labcorp
Classification: Uncertain significance. Last evaluated: 2023-11-13. Review status: criteria provided, single submitter. Criteria: Invitae Variant Classification Sherloc (09022015). Collection method: clinical testing. Allele origin: germline.
Comment: This sequence change replaces threonine, which is neutral and polar, with alanine, which is neutral and non-polar, at codon 588 of the FBN3 protein (p.Thr588Ala). This variant is present in population databases (rs780739075, gnomAD 0.07%), and has an allele count higher than expected for a pathogenic variant. This variant has not been reported in the literature in individuals affected with FBN3-related conditions. ClinVar contains an entry for this variant (Variation ID: 2396385). Advanced modeling of protein sequence and biophysical properties (such as structural, functional, and spatial information, amino acid conservation, physicochemical variation, residue mobility, and thermodynamic stability) performed at Invitae indicates that this missense variant is not expected to disrupt FBN3 protein function with a negative predictive value of 80%. In summary, the available evidence is currently insufficient to determine the role of this variant in disease. Therefore, it has been classified as a Variant of Uncertain Significance.

Ambry Genetics
Classification: Uncertain significance. Last evaluated: 2021-08-16. Review status: criteria provided, single submitter. Criteria: Ambry Variant Classification Scheme 2023. Collection method: clinical testing. Allele origin: germline.